The following is an entry in ClinVar:

ClinVar aggregate classification (germline): Uncertain significance. Review status: criteria provided, multiple submitters, no conflicts (2 of 4 stars). 3 submissions from 3 submitters: Uncertain significance (3). Last evaluated 2025-07-24.

Conditions:
Cardiovascular phenotype. Identifiers: MedGen CN230736.
Familial thoracic aortic aneurysm and aortic dissection (TAAD). Also called: Thoracic aortic aneurysms and dissections. Identifiers: Orphanet 91387, MedGen C4707243, MONDO:0019625.
Aneurysm-osteoarthritis syndrome. Also called: LOEYS-DIETZ SYNDROME WITH OSTEOARTHRITIS; SMAD3-Related Loeys-Dietz Syndrome; Loeys-Dietz syndrome, type 1C; ANEURYSMS-OSTEOARTHRITIS SYNDROME. Identifiers: Orphanet 284984, MedGen C3151087, MONDO:0013426, OMIM 613795.

Allele frequency attached by ClinVar (database versions not stated): gnomAD exomes below 0.00001.

Submissions (3):

Molecular Diagnostic Laboratory for Inherited Cardiovascular Disease, Montreal Heart Institute
Classification: Uncertain significance for Cardiovascular phenotype. Last evaluated: 2025-07-24. Review status: criteria provided, single submitter. Criteria: ACMG Guidelines, 2015. Collection method: clinical testing. Allele origin: germline. Affected: yes.
Comment: PM2

All of Us Research Program, National Institutes of Health
Classification: Uncertain significance for Aneurysm-osteoarthritis syndrome. Last evaluated: 2023-11-20. Review status: criteria provided, single submitter. Criteria: ACMG Guidelines, 2015. Collection method: clinical testing. Allele origin: germline. Inheritance: Autosomal dominant inheritance. Observed: 2 variant alleles, 2 heterozygotes.
Comment: This missense variant replaces threonine with serine at codon 164 of the SMAD3 protein. Computational prediction is inconclusive regarding the impact of this variant on protein structure and function (internally defined REVEL score threshold 0.5 < inconclusive < 0.7, PMID: 27666373). Splice site prediction tools suggest that this variant may not impact RNA splicing. To our knowledge, functional studies have not been performed for this variant. This variant has not been reported in individuals affected with cardiovascular disorders in the literature. This variant has been identified in 1/251442 chromosomes in the general population by the Genome Aggregation Database (gnomAD). The available evidence is insufficient to determine the role of this variant in disease conclusively. Therefore, this variant is classified as a Variant of Uncertain Significance.

This study involves interpretation of variants in research participants for the purpose of population health screening. Participant phenotype was not available at the time of variant classification. Additional details can be found in publication PMID: 35346344, PMCID: PMC8962531

Color Diagnostics, LLC DBA Color Health
Classification: Uncertain significance for Familial thoracic aortic aneurysm and aortic dissection. Last evaluated: 2023-04-25. Review status: criteria provided, single submitter. Criteria: ACMG Guidelines, 2015. Collection method: clinical testing. Allele origin: germline.
Comment: This missense variant replaces threonine with serine at codon 164 of the SMAD3 protein. Computational prediction is inconclusive regarding the impact of this variant on protein structure and function (internally defined REVEL score threshold 0.5 < inconclusive < 0.7, PMID: 27666373). Splice site prediction tools suggest that this variant may not impact RNA splicing. To our knowledge, functional studies have not been performed for this variant. This variant has not been reported in individuals affected with cardiovascular disorders in the literature. This variant has been identified in 1/251442 chromosomes in the general population by the Genome Aggregation Database (gnomAD). The available evidence is insufficient to determine the role of this variant in disease conclusively. Therefore, this variant is classified as a Variant of Uncertain Significance.

NM_005902.4(SMAD3):c.490A>T (p.Thr164Ser)

Gene: SMAD3 (SMAD family member 3; plus strand). Cytogenetic location: 15q22.33.
Variant type: single nucleotide variant.
Coding change: c.490A>T on transcript NM_005902.4 (MANE Select); coding-DNA position 490, A replaced by T.
Protein change: p.Thr164Ser; replaces threonine 164 with serine.
Molecular consequence: missense variant.
Genome position (GRCh38, 1-based): chr15:67,165,342, A>T. VCF-style: chr15-67165342-A-T. GRCh37 (hg19) VCF-style: chr15-67457680-A-T.
Other names: c.175A>T, p.Thr59Ser (NM_001145102.2); c.358A>T, p.Thr120Ser (NM_001145103.2); short protein forms T59S, T164S, T120S.
Identifiers: ClinVar variation 919729 (VCV000919729.7), dbSNP rs1254152984, ClinGen allele CA392954421.